The following is an entry in ClinVar:

ClinVar aggregate classification (germline): Uncertain significance. Review status: criteria provided, multiple submitters, no conflicts (2 of 4 stars). 2 submissions from 2 submitters: Uncertain significance (2). Last evaluated 2025-11-03.

Conditions:
Familial hemophagocytic lymphohistiocytosis 5. Also called: STXBP2-Related Familial Hemophagocytic Lymphohistiocytosis (STXBP2-fHLH). Identifiers: Orphanet 540, MedGen C2751293, MONDO:0013135, OMIM 613101.

Allele frequency attached by ClinVar (database versions not stated): ExAC 0.00001.

Submissions (2):

Labcorp Genetics (formerly Invitae), Labcorp
Classification: Uncertain significance for Familial hemophagocytic lymphohistiocytosis 5. Last evaluated: 2025-11-03. Review status: criteria provided, single submitter. Criteria: Invitae Variant Classification Sherloc (09022015). Collection method: clinical testing. Allele origin: germline.
Comment: This sequence change replaces glutamic acid, which is acidic and polar, with aspartic acid, which is acidic and polar, at codon 558 of the STXBP2 protein (p.Glu558Asp). This variant is present in population databases (rs780461960, gnomAD 0.01%). This missense change has been observed in individual(s) with hemophagocytic lymphohistiocytosis (PMID: 29665027). ClinVar contains an entry for this variant (Variation ID: 1497163). Invitae Evidence Modeling of protein sequence and biophysical properties (such as structural, functional, and spatial information, amino acid conservation, physicochemical variation, residue mobility, and thermodynamic stability) indicates that this missense variant is not expected to disrupt STXBP2 protein function with a negative predictive value of 95%. In summary, the available evidence is currently insufficient to determine the role of this variant in disease. Therefore, it has been classified as a Variant of Uncertain Significance.

Women's Health and Genetics/Laboratory Corporation of America, LabCorp
Classification: Uncertain significance. Last evaluated: 2023-05-16. Review status: criteria provided, single submitter. Criteria: LabCorp Variant Classification Summary - May 2015. Collection method: clinical testing. Allele origin: germline.
Comment: Variant summary: STXBP2 c.1674G>T (p.Glu558Asp) results in a conservative amino acid change in the encoded protein sequence. Five of five in-silico tools predict a benign effect of the variant on protein function. The variant allele was found at a frequency of 8.7e-06 in 229108 control chromosomes (gnomAD). The available data on variant occurrences in the general population are insufficient to allow any conclusion about variant significance. c.1674G>T has been reported in the literature in an individual affected with Hemophagocytic lymphohistiocytosis (example: Chen_2018). This report does not provide unequivocal conclusions about association of the variant with Familial Hemophagocytic Lymphohistiocytosis. To our knowledge, no experimental evidence demonstrating an impact on protein function has been reported. The following publication has been ascertained in the context of this evaluation (PMID: 29665027). One clinical diagnostic laboratory has submitted clinical-significance assessments for this variant to ClinVar after 2014 and classified the variant as uncertain significance. Based on the evidence outlined above, the variant was classified as uncertain significance.

Literature cited by the submitters: PubMed 29665027 (cited by Labcorp Genetics (formerly Invitae), Labcorp and Women's Health and Genetics/Laboratory Corporation of America, LabCorp).

NM_006949.4(STXBP2):c.1674G>T (p.Glu558Asp)

Gene: STXBP2 (syntaxin binding protein 2; plus strand). Cytogenetic location: 19p13.2.
Variant type: single nucleotide variant.
Coding change: c.1674G>T on transcript NM_006949.4 (MANE Select); coding-DNA position 1674, G replaced by T.
Protein change: p.Glu558Asp; replaces glutamic acid 558 with aspartic acid.
Molecular consequence: missense variant. On other transcripts: non-coding transcript variant (1).
Genome position (GRCh38, 1-based): chr19:7,647,489, G>T. VCF-style: chr19-7647489-G-T. GRCh37 (hg19) VCF-style: chr19-7712375-G-T.
Other names: c.1665G>T, p.Glu555Asp (NM_001127396.3); c.1707G>T, p.Glu569Asp (NM_001272034.2); c.1674G>T (NM_006949.3); short protein forms E555D, E558D, E569D.
Identifiers: ClinVar variation 1497163 (VCV001497163.5), dbSNP rs780461960, ClinGen allele CA9144288.